The following is an entry in ClinVar:

NM_000553.6(WRN):c.3851_3982+449del

Gene: WRN (WRN RecQ like helicase; plus strand). Cytogenetic location: 8p12.
Variant type: Deletion.
Coding change: c.3851_3982+449del on transcript NM_000553.6 (MANE Select); coding-DNA position 3851 through 449 bases into the intron after coding-DNA position 3982, 581 bases deleted.
Molecular consequence: splice donor variant.
Genome position (GRCh38, 1-based): chr8:31,157,399-31,157,979, 581 bases deleted. GRCh37 (hg19): chr8:31,014,915-31,015,495.
Identifiers: ClinVar variation 1073048 (VCV001073048.5), dbSNP rs2130480213, ClinGen allele CA2499219275.

ClinVar aggregate classification (germline): Pathogenic (1 of 4 stars; one submission).

Conditions:
Werner syndrome (WRN). Identifiers: Orphanet 902, MedGen C0043119, MONDO:0010196, OMIM 277700.

Submission:

Labcorp Genetics (formerly Invitae), Labcorp
Classification: Pathogenic for Werner syndrome. Last evaluated: 2020-07-06. Review status: criteria provided, single submitter. Criteria: Invitae Variant Classification Sherloc (09022015). Collection method: clinical testing. Allele origin: germline.
Comment: This variant results in the deletion of part of exon 33 (c.3851_3982+449del) of the WRN gene. It is expected to disrupt RNA splicing and likely results in an absent or disrupted protein product. This variant has been observed in individual(s) with clinical features of Werner syndrome (Invitae). In at least one individual the data is consistent with the variant being in trans (on the opposite chromosome) from a pathogenic variant. Loss-of-function variants in WRN are known to be pathogenic (PMID: 16673358). For these reasons, this variant has been classified as Pathogenic.

Literature cited by the submitters: PubMed 16673358.